The following is an entry in ClinVar:

NM_014055.4(IFT81):c.1973G>A (p.Ser658Asn)

Gene: IFT81 (intraflagellar transport 81; plus strand). Cytogenetic location: 12q24.11.
Variant type: single nucleotide variant.
Coding change: c.1973G>A on transcript NM_014055.4 (MANE Select); coding-DNA position 1973, G replaced by A.
Protein change: p.Ser658Asn; replaces serine 658 with asparagine.
Molecular consequence: missense variant. On other transcripts: non-coding transcript variant (4).
Genome position (GRCh38, 1-based): chr12:110,218,168, G>A. VCF-style: chr12-110218168-G-A. GRCh37 (hg19) VCF-style: chr12-110655973-G-A.
Other names: c.1973G>A, p.Ser658Asn (NM_001143779.2); c.1043G>A, p.Ser348Asn (NM_001347947.2, NM_001347948.2); c.1973G>A (NM_014055.3); short protein forms S658N, S348N.
Identifiers: ClinVar variation 2178252 (VCV002178252.2), dbSNP rs192832044, ClinGen allele CA6783545.

ClinVar aggregate classification (germline): Uncertain significance. Review status: criteria provided, multiple submitters, no conflicts (2 of 4 stars). 2 submissions from 2 submitters: Uncertain significance (2). Last evaluated 2022-08-03.

Conditions:
Inborn genetic diseases. Identifiers: MedGen C0950123, MeSH D030342.

Allele frequency attached by ClinVar (database versions not stated): gnomAD 0.00003; TOPMed 0.00003; ExAC 0.00005; gnomAD exomes 0.00007; 1000 Genomes Project 30x 0.00016; 1000 Genomes Project 0.00020.
gnomAD v4.1: 102 of 1,585,770 alleles (0.0064%); highest among the groups gnomAD compares: Admixed American, 0.014%; no homozygotes.

Submissions (2):

Labcorp Genetics (formerly Invitae), Labcorp
Classification: Uncertain significance. Last evaluated: 2022-08-03. Review status: criteria provided, single submitter. Criteria: Invitae Variant Classification Sherloc (09022015). Collection method: clinical testing. Allele origin: germline.
Comment: This sequence change replaces serine, which is neutral and polar, with asparagine, which is neutral and polar, at codon 658 of the IFT81 protein (p.Ser658Asn). This variant is present in population databases (rs192832044, gnomAD 0.02%). This variant has not been reported in the literature in individuals affected with IFT81-related conditions. Algorithms developed to predict the effect of missense changes on protein structure and function output the following: SIFT: "Tolerated"; PolyPhen-2: "Benign"; Align-GVGD: "Class C0". The asparagine amino acid residue is found in multiple mammalian species, which suggests that this missense change does not adversely affect protein function. In summary, the available evidence is currently insufficient to determine the role of this variant in disease. Therefore, it has been classified as a Variant of Uncertain Significance.

Ambry Genetics
Classification: Uncertain significance for Inborn genetic diseases. Last evaluated: 2022-07-08. Review status: criteria provided, single submitter. Criteria: Ambry Variant Classification Scheme 2023. Collection method: clinical testing. Allele origin: germline.